The following is an entry in ClinVar:

NM_025144.4(ALPK1):c.1627del (p.Asp543fs)

Gene: ALPK1 (alpha kinase 1; plus strand). Cytogenetic location: 4q25.
Variant type: Deletion.
Coding change: c.1627del on transcript NM_025144.4 (MANE Select); coding-DNA position 1627, one base deleted (G; older notation c.1627delG).
Protein change: p.Asp543fs; shifts the reading frame from aspartic acid 543.
Molecular consequence: frameshift variant.
Genome position (GRCh38, 1-based): chr4:112,431,174, G deleted. VCF-style (leftmost placement, unchanged base first): chr4-112431173-TG-T. GRCh37 (hg19) VCF-style: chr4-113352329-TG-T.
Other names: c.1627del, p.Asp543fs (NM_001102406.2); c.1393del, p.Asp465fs (NM_001253884.2); short protein forms D543fs, D465fs.
Identifiers: ClinVar variation 4766512 (VCV004766512.1).

ClinVar aggregate classification (germline): Uncertain significance (1 of 4 stars; one submission).

Submission:

Labcorp Genetics (formerly Invitae), Labcorp
Classification: Uncertain significance. Last evaluated: 2025-10-14. Review status: criteria provided, single submitter. Criteria: Invitae Variant Classification Sherloc (09022015). Collection method: clinical testing. Allele origin: germline.
Comment: This sequence change creates a premature translational stop signal (p.Asp543Metfs*32) in the ALPK1 gene. It is expected to result in an absent or disrupted protein product. However, the current clinical and genetic evidence is not sufficient to establish whether loss-of-function variants in ALPK1 cause disease. This variant is not present in population databases (gnomAD no frequency). This variant has not been reported in the literature in individuals affected with ALPK1-related conditions. In summary, the available evidence is currently insufficient to determine the role of this variant in disease. Therefore, it has been classified as a Variant of Uncertain Significance.